The following is an entry in ClinVar:

NM_003105.6(SORL1):c.5643C>T (p.Leu1881=)

Gene: SORL1 (sortilin related receptor 1; plus strand). Cytogenetic location: 11q24.1.
Variant type: single nucleotide variant.
Coding change: c.5643C>T on transcript NM_003105.6 (MANE Select); coding-DNA position 5643, C replaced by T.
Protein change: p.Leu1881=; no amino-acid change (leucine 1881 retained).
Molecular consequence: synonymous variant.
Genome position (GRCh38, 1-based): chr11:121,618,812, C>T. VCF-style: chr11-121618812-C-T. GRCh37 (hg19) VCF-style: chr11-121489521-C-T.
Identifiers: ClinVar variation 1952279 (VCV001952279.29), dbSNP rs753782649, ClinGen allele CA6330017.

ClinVar aggregate classification (germline): Likely benign. Review status: criteria provided, multiple submitters, no conflicts (2 of 4 stars). 2 submissions from 2 submitters: Likely benign (2). Last evaluated 2022-10-01.

Allele frequency attached by ClinVar (database versions not stated): ExAC 0.00001.
gnomAD v4.1: 1 of 1,614,144 alleles (0.000062%); highest among the groups gnomAD compares: Non-Finnish European, 0.000085%; no homozygotes.

Submissions (2):

CeGaT Center for Human Genetics Tuebingen
Classification: Likely benign. Last evaluated: 2022-10-01. Review status: criteria provided, single submitter. Criteria: CeGaT Center For Human Genetics Tuebingen Variant Classification Criteria Version 2. Collection method: clinical testing. Allele origin: germline. Affected: yes. Observed: 1 variant allele.
Comment: SORL1: BP4, BP7

Labcorp Genetics (formerly Invitae), Labcorp
Classification: Likely benign. Last evaluated: 2022-05-04. Review status: criteria provided, single submitter. Criteria: Invitae Variant Classification Sherloc (09022015). Collection method: clinical testing. Allele origin: germline.